The following is an entry in ClinVar:

ClinVar aggregate classification (germline): Uncertain significance (1 of 4 stars; one submission).

Allele frequency attached by ClinVar (database versions not stated): gnomAD 0.00003; ExAC 0.00005; TOPMed 0.00006; gnomAD exomes 0.00009.
gnomAD v4.1: 132 of 1,613,952 alleles (0.0082%); highest among the groups gnomAD compares: Middle Eastern, 0.033%; no homozygotes.

Submission:

Labcorp Genetics (formerly Invitae), Labcorp
Classification: Uncertain significance. Last evaluated: 2023-12-09. Review status: criteria provided, single submitter. Criteria: Invitae Variant Classification Sherloc (09022015). Collection method: clinical testing. Allele origin: germline.
Comment: This sequence change replaces arginine, which is basic and polar, with glutamine, which is neutral and polar, at codon 220 of the NXN protein (p.Arg220Gln). This variant is present in population databases (rs761724253, gnomAD 0.02%). This variant has not been reported in the literature in individuals affected with NXN-related conditions. An algorithm developed to predict the effect of missense changes on protein structure and function (PolyPhen-2) suggests that this variant is likely to be disruptive. In summary, the available evidence is currently insufficient to determine the role of this variant in disease. Therefore, it has been classified as a Variant of Uncertain Significance.

NM_022463.5(NXN):c.659G>A (p.Arg220Gln)

Gene: NXN (nucleoredoxin; minus strand). Cytogenetic location: 17p13.3.
Variant type: single nucleotide variant.
Coding change: c.659G>A on transcript NM_022463.5 (MANE Select); coding-DNA position 659, G replaced by A.
Protein change: p.Arg220Gln; replaces arginine 220 with glutamine.
Molecular consequence: missense variant.
Genome position (GRCh38, 1-based): chr17:822,411, C>T on the plus strand (G>A on the coding strand, the complement: NXN is on the minus strand). VCF-style: chr17-822411-C-T. GRCh37 (hg19) VCF-style: chr17-725651-C-T.
Other names: c.335G>A, p.Arg112Gln (NM_001205319.1); short protein forms R220Q, R112Q.
Identifiers: ClinVar variation 2727463 (VCV002727463.1), dbSNP rs761724253, ClinGen allele CA8264142.